The following is an entry in ClinVar:

ClinVar aggregate classification (germline): Uncertain significance. Review status: criteria provided, multiple submitters, no conflicts (2 of 4 stars). 3 submissions from 3 submitters: Uncertain significance (3). Last evaluated 2025-01-02.

Conditions:
Gastrointestinal stromal tumor. Also called: Gastrointestinal stromal tumor, somatic; Gastrointestinal stroma tumor. Identifiers: Orphanet 44890, MedGen C0238198, MeSH D046152, MONDO:0011719, OMIM 606764, HP:0100723.
Acute myeloid leukemia (AML). Also called: Acute myeloid leukemia, adult; AML adult; Acute non-lymphocytic leukemia; Acute granulocytic leukemia; Leukemia, acute myeloid, somatic; Leukemia, acute myelogenous, somatic. Identifiers: Orphanet 519, MedGen C0023467, MeSH D015470, MONDO:0018874, OMIM 601626, HP:0004808. Disease mechanism: Constitutively activated FLT3.
Cutaneous mastocytosis. Also called: MASTOCYTOSIS, MACULOPAPULAR CUTANEOUS. Identifiers: Orphanet 66646, MedGen C1136033, MONDO:0019023, OMIM 154800, HP:0200151.
Piebaldism. Also called: Piebald skin depigmentation. Identifiers: Orphanet 2884, MedGen C0080024, MONDO:0008244, OMIM 172800, HP:0007544.
Germ cell tumor of testis (TGCT). Also called: GERM CELL TUMOR, SOMATIC; Testicular germ cell tumor. Identifiers: Orphanet 363504, MedGen C1336708, MONDO:0010108, OMIM 273300.
Hereditary cancer-predisposing syndrome. Also called: Tumor predisposition; Neoplastic Syndromes, Hereditary; Hereditary neoplastic syndrome; Hereditary Cancer Syndrome. Identifiers: Orphanet 140162, MedGen C0027672, MeSH D009386, MONDO:0015356.

gnomAD v4.1: 4 of 1,580,970 alleles (0.00025%); highest among the groups gnomAD compares: Non-Finnish European, 0.00035%; no homozygotes.

Submissions (3):

Labcorp Genetics (formerly Invitae), Labcorp
Classification: Uncertain significance for Gastrointestinal stromal tumor. Last evaluated: 2025-01-02. Review status: criteria provided, single submitter. Criteria: Invitae Variant Classification Sherloc (09022015). Collection method: clinical testing. Allele origin: germline.
Comment: This sequence change replaces asparagine, which is neutral and polar, with lysine, which is basic and polar, at codon 326 of the KIT protein (p.Asn326Lys). This variant is present in population databases (no rsID available, gnomAD 0.0009%). This variant has not been reported in the literature in individuals affected with KIT-related conditions. ClinVar contains an entry for this variant (Variation ID: 859867). An algorithm developed to predict the effect of missense changes on protein structure and function (PolyPhen-2) suggests that this variant is likely to be disruptive. In summary, the available evidence is currently insufficient to determine the role of this variant in disease. Therefore, it has been classified as a Variant of Uncertain Significance.

Ambry Genetics
Classification: Uncertain significance for Hereditary cancer-predisposing syndrome. Last evaluated: 2024-03-25. Review status: criteria provided, single submitter. Criteria: Ambry Variant Classification Scheme 2023. Collection method: clinical testing. Allele origin: germline.
Comment: The p.N326K variant (also known as c.978C>G), located in coding exon 6 of the KIT gene, results from a C to G substitution at nucleotide position 978. The asparagine at codon 326 is replaced by lysine, an amino acid with similar properties. This amino acid position is conserved. In addition, this alteration is predicted to be tolerated by in silico analysis. Since supporting evidence is limited at this time, the clinical significance of this alteration remains unclear.

Fulgent Genetics
Classification: Uncertain significance for Cutaneous mastocytosis; Piebaldism; Germ cell tumor of testis; Acute myeloid leukemia; Gastrointestinal stromal tumor. Last evaluated: 2024-02-19. Review status: criteria provided, single submitter. Criteria: ACMG Guidelines, 2015. Collection method: clinical testing. Allele origin: germline.

NM_000222.3(KIT):c.978C>G (p.Asn326Lys)

Gene: KIT (KIT proto-oncogene, receptor tyrosine kinase; plus strand). Cytogenetic location: 4q12.
Variant type: single nucleotide variant.
Coding change: c.978C>G on transcript NM_000222.3 (MANE Select); coding-DNA position 978, C replaced by G.
Protein change: p.Asn326Lys; replaces asparagine 326 with lysine.
Molecular consequence: missense variant.
Genome position (GRCh38, 1-based): chr4:54,707,150, C>G. VCF-style: chr4-54707150-C-G. GRCh37 (hg19) VCF-style: chr4-55573316-C-G.
Other names: c.978C>G, p.Asn326Lys (NM_001093772.2, NM_001385285.1, NM_001385286.1); c.981C>G, p.Asn327Lys (NM_001385284.1, NM_001385288.1, NM_001385290.1 and 1 more transcripts); short protein forms N326K, N327K.
Identifiers: ClinVar variation 859867 (VCV000859867.14), dbSNP rs148594615, ClinGen allele CA356900876.